The following is an entry in ClinVar:

ClinVar aggregate classification (germline): Pathogenic/Likely pathogenic. Review status: criteria provided, multiple submitters, no conflicts (2 of 4 stars). 4 submissions from 4 submitters: Pathogenic (1); Likely pathogenic (1). 2 of the submissions do not count toward it. Last evaluated 2025-11-21.

Conditions:
Cardiovascular phenotype. Identifiers: MedGen CN230736.
Short QT syndrome. Also called: Familial short QT syndrome. Identifiers: Orphanet 51083, MedGen C2348199, MONDO:0000453.
Long QT syndrome (LQTS). Identifiers: MedGen C0023976, MeSH D008133, MONDO:0002442. Disease mechanism: loss of function. Inheritance: Various modes of inheritance.
Short QT syndrome type 1. Identifiers: Orphanet 51083, MedGen C1865020, MONDO:0012312, OMIM 609620.

Submissions (4):

Labcorp Genetics (formerly Invitae), Labcorp
Classification: Pathogenic for Long QT syndrome. Last evaluated: 2025-11-21. Review status: criteria provided, single submitter. Criteria: Invitae Variant Classification Sherloc (09022015). Collection method: clinical testing. Allele origin: germline.
Comment: This sequence change replaces asparagine, which is neutral and polar, with lysine, which is basic and polar, at codon 588 of the KCNH2 protein (p.Asn588Lys). This variant is not present in population databases (gnomAD no frequency). This missense change has been observed in individuals with short QT syndrome (PMID: 14676148, 15828882, 25335996; internal data). ClinVar contains an entry for this variant (Variation ID: 14437). An algorithm developed to predict the effect of missense changes on protein structure and function (PolyPhen-2) suggests that this variant is likely to be disruptive. Experimental studies have shown that this missense change affects KCNH2 function (PMID: 14676148). For these reasons, this variant has been classified as Pathogenic.

Ambry Genetics
Classification: Likely pathogenic for Cardiovascular phenotype. Last evaluated: 2024-07-26. Review status: criteria provided, single submitter. Criteria: Ambry Variant Classification Scheme 2023. Collection method: clinical testing. Allele origin: germline.
Comment: The p.N588K variant (also known as c.1764C>A), located in coding exon 7 of the KCNH2 gene, results from a C to A substitution at nucleotide position 1764. The asparagine at codon 588 is replaced by lysine, an amino acid with similar properties. This alteration has been reported in individuals with short QT syndrome (SQTS) (Brugada R et al. Circulation, 2004 Jan;109:30-5; Suzuki H et al. Pediatr Int, 2014 Oct;56:774-6). In multiple assays testing KCNH2 function, this variant showed functionally abnormal results (Brugada R et al. Circulation, 2004 Jan;109:30-5; Grunnet M et al. Cell Physiol Biochem, 2008 Dec;22:611-24; McPate MJ et al. J Physiol Pharmacol, 2009 Mar;60:23-41; Adeniran I et al. PLoS Comput Biol, 2011 Dec;7:e1002313). In addition, a different alteration located at the same position, resulting in the same protein change, c.1764C>G (p.N588K), has been detected in individuals with SQTS (Brugada R et al. Circulation, 2004 Jan;109:30-5; Hong K et al. J Cardiovasc Electrophysiol, 2005 Apr;16:394-6; Akdis D et al. Europace, 2018 Jun;20:f113-f121). This amino acid position is well conserved in available vertebrate species. In addition, the in silico prediction for this alteration is inconclusive. Based on the majority of available evidence to date, this variant is likely to be pathogenic for KCNH2-related SQTS; however, its clinical significance for KCNH2-related long QT syndrome is uncertain.

OMIM
Classification: Pathogenic for SHORT QT SYNDROME 1. Last evaluated: 2004-01-06. Review status: no assertion criteria provided. Collection method: literature only. Allele origin: germline. Not counted in ClinVar's aggregate classification.

Cardiovascular Biomedical Research Unit, Royal Brompton & Harefield NHS Foundation Trust
No classification provided. Condition: Short QT syndrome. Review status: no classification provided. Collection method: literature only. Allele origin: germline. Not counted in ClinVar's aggregate classification.
Comment: This variant has been reported as associated with Short QT syndrome in the following publications (PMID:14676148). This is a literature report, and does not necessarily reflect the clinical interpretation of the Imperial College / Royal Brompton Cardiovascular Genetics laboratory.

Literature cited by the submitters: PubMed 14676148 (cited by 4 submitters); PubMed 15828882 (cited by Labcorp Genetics (formerly Invitae), Labcorp); PubMed 25335996 (cited by Labcorp Genetics (formerly Invitae), Labcorp and Ambry Genetics); PubMed 19088443 (cited by Ambry Genetics); PubMed 19439805 (cited by Ambry Genetics); PubMed 22194679 (cited by Ambry Genetics); PubMed 12925462 (cited by OMIM); PubMed 22581653 (cited by Cardiovascular Biomedical Research Unit, Royal Brompton & Harefield NHS Foundation Trust).

NM_000238.4(KCNH2):c.1764C>A (p.Asn588Lys)

Gene: KCNH2 (potassium voltage-gated channel subfamily H member 2; minus strand). Cytogenetic location: 7q36.1.
Variant type: single nucleotide variant.
Coding change: c.1764C>A on transcript NM_000238.4 (MANE Select); coding-DNA position 1764, C replaced by A.
Protein change: p.Asn588Lys; replaces asparagine 588 with lysine.
Molecular consequence: missense variant.
Genome position (GRCh38, 1-based): chr7:150,951,629, G>T on the plus strand (C>A on the coding strand, the complement: KCNH2 is on the minus strand). VCF-style: chr7-150951629-G-T. GRCh37 (hg19) VCF-style: chr7-150648717-G-T.
Other names: KCNH2, ASN588LYS, 1764C-A; c.1764C>A (LRG_288t1); c.744C>A, p.Asn248Lys (NM_001204798.2, NM_172057.3); c.1476C>A, p.Asn492Lys (NM_001406753.1, NM_001406756.1); c.1587C>A, p.Asn529Lys (NM_001406755.1); c.1464C>A, p.Asn488Lys (NM_001406757.1); c.1764C>A, p.Asn588Lys (NM_172056.3); short protein forms N588K, N248K, N488K, N492K, N529K.
Identifiers: ClinVar variation 14437 (VCV000014437.5), dbSNP rs104894021, ClinGen allele CA005420.